The following is an entry in ClinVar:

NM_017763.6(RNF43):c.988C>G (p.Arg330Gly)

Gene: RNF43 (ring finger protein 43; minus strand). Cytogenetic location: 17q22.
Variant type: single nucleotide variant.
Coding change: c.988C>G on transcript NM_017763.6 (MANE Select); coding-DNA position 988, C replaced by G.
Protein change: p.Arg330Gly; replaces arginine 330 with glycine.
Molecular consequence: missense variant.
Genome position (GRCh38, 1-based): chr17:58,358,788, G>C on the plus strand (C>G on the coding strand, the complement: RNF43 is on the minus strand). VCF-style: chr17-58358788-G-C. GRCh37 (hg19) VCF-style: chr17-56436149-G-C.
Other names: c.988C>G, p.Arg330Gly (NM_001305544.3); c.607C>G, p.Arg203Gly (NM_001305545.2); short protein forms R330G, R203G.
Identifiers: ClinVar variation 3946838 (VCV003946838.1).
Genomic context (GRCh38, chr17:58,358,788, plus strand): 5'-GGGCATGGCCGGGATGCTGGCGAATGAGGTGGAGTCTTCGACCTGGTTCTTGGTAAGATC[G>C]AGAGGGTCCCAGGGACTGGGAAAATGAATCTCCCTCTGGAAAAAAGAACCAAGAGCACAG-3'
Protein context (NP_060233.3, residues 320-340): DSFSQSLGPS[Arg330Gly]SYQEPGRRLH

ClinVar aggregate classification (germline): Uncertain significance (1 of 4 stars; one submission).

Submission:

Ambry Genetics
Classification: Uncertain significance. Last evaluated: 2025-03-30. Review status: criteria provided, single submitter. Criteria: Ambry Variant Classification Scheme 2023. Collection method: clinical testing. Allele origin: germline.
Comment: The p.R330G variant (also known as c.988C>G), located in coding exon 8 of the RNF43 gene, results from a C to G substitution at nucleotide position 988. The arginine at codon 330 is replaced by glycine, an amino acid with dissimilar properties. This amino acid position is conserved. In addition, this alteration is predicted to be tolerated by in silico analysis. Based on the available evidence, the clinical significance of this variant remains unclear.